The following is an entry in ClinVar:

NM_003105.6(SORL1):c.4607G>A (p.Gly1536Asp)

Gene: SORL1 (sortilin related receptor 1; plus strand). Cytogenetic location: 11q24.1.
Variant type: single nucleotide variant.
Coding change: c.4607G>A on transcript NM_003105.6 (MANE Select); coding-DNA position 4607, G replaced by A.
Protein change: p.Gly1536Asp; replaces glycine 1536 with aspartic acid.
Molecular consequence: missense variant.
Genome position (GRCh38, 1-based): chr11:121,604,280, G>A. VCF-style: chr11-121604280-G-A. GRCh37 (hg19) VCF-style: chr11-121474989-G-A.
Other names: short protein forms G1536D.
Identifiers: ClinVar variation 4989414 (VCV004989414.1).

ClinVar aggregate classification (germline): Uncertain significance (1 of 4 stars; one submission).

Conditions:
SORL1-related disorder. Also called: SORL1-related condition.

gnomAD v4.1: 16 of 1,613,940 alleles (0.00099%); highest among the groups gnomAD compares: Non-Finnish European, 0.0013%; no homozygotes.

Submission:

PreventionGenetics, part of Exact Sciences
Classification: Uncertain significance for SORL1-related condition. Last evaluated: 2026-04-06. Review status: criteria provided, single submitter. Criteria: ACMG Guidelines, 2015. Collection method: clinical testing. Allele origin: germline.
Comment: The SORL1 c.4607G>A variant is predicted to result in the amino acid substitution p.Gly1536Asp. This variant has been reported in at least a patient with early onset Alzheimer disease with a variant of uncertain significance in PSEN1 and APOE e4/e4 genotype (García-Chialva et al. 2026. PubMed ID: 41197136). Of note, another missense variant affecting the same amino acid (p.Gly1536Ser) has also been reported in early onset dementia (Silvaieh et al. 2023. PubMed ID: 37330543). This variant is reported in 0.0039% of alleles in individuals of European (Non-Finnish) descent in gnomAD. At this time, the clinical significance of this variant is uncertain due to the absence of conclusive functional and genetic evidence.